The following is an entry in ClinVar:

NM_007055.4(POLR3A):c.3499G>C (p.Val1167Leu)

Gene: POLR3A (RNA polymerase III subunit A; minus strand). Cytogenetic location: 10q22.3.
Variant type: single nucleotide variant.
Coding change: c.3499G>C on transcript NM_007055.4 (MANE Select); coding-DNA position 3499, G replaced by C.
Protein change: p.Val1167Leu; replaces valine 1167 with leucine.
Molecular consequence: missense variant.
Genome position (GRCh38, 1-based): chr10:77,982,748, C>G on the plus strand (G>C on the coding strand, the complement: POLR3A is on the minus strand). VCF-style: chr10-77982748-C-G. GRCh37 (hg19) VCF-style: chr10-79742506-C-G.
Other names: short protein forms V1167L.
Identifiers: ClinVar variation 1004083 (VCV001004083.10), dbSNP rs372587661, ClinGen allele CA5570807.

ClinVar aggregate classification (germline): Uncertain significance. Review status: criteria provided, multiple submitters, no conflicts (2 of 4 stars). 3 submissions from 3 submitters: Uncertain significance (3). Last evaluated 2023-07-17.

Conditions:
POLR3A-related neurological disorders.

Allele frequency attached by ClinVar (database versions not stated): gnomAD 0.00003 and 0.00004; gnomAD exomes 0.00004 and 0.00005; TOPMed 0.00004; ExAC 0.00005.
gnomAD v4.1: 77 of 1,613,788 alleles (0.0048%); highest among the groups gnomAD compares: Middle Eastern, 0.15%; no homozygotes.

Submissions (3):

Labcorp Genetics (formerly Invitae), Labcorp
Classification: Uncertain significance. Last evaluated: 2023-07-17. Review status: criteria provided, single submitter. Criteria: Invitae Variant Classification Sherloc (09022015). Collection method: clinical testing. Allele origin: germline.
Comment: This sequence change replaces valine, which is neutral and non-polar, with leucine, which is neutral and non-polar, at codon 1167 of the POLR3A protein (p.Val1167Leu). This variant is present in population databases (rs372587661, gnomAD 0.007%). This variant has not been reported in the literature in individuals affected with POLR3A-related conditions. ClinVar contains an entry for this variant (Variation ID: 1004083). Advanced modeling of protein sequence and biophysical properties (such as structural, functional, and spatial information, amino acid conservation, physicochemical variation, residue mobility, and thermodynamic stability) performed at Invitae indicates that this missense variant is not expected to disrupt POLR3A protein function. In summary, the available evidence is currently insufficient to determine the role of this variant in disease. Therefore, it has been classified as a Variant of Uncertain Significance.

Revvity Omics, Revvity
Classification: Uncertain significance. Last evaluated: 2022-01-18. Review status: criteria provided, single submitter. Criteria: ACMG Guidelines, 2015. Collection method: clinical testing. Allele origin: germline.

Illumina Laboratory Services, Illumina
Classification: Uncertain significance for POLR3A-related neurological disorders. Last evaluated: 2021-02-16. Review status: criteria provided, single submitter. Criteria: ICSLVariantClassificationCriteria RUGD 01 April 2020. Collection method: clinical testing. Allele origin: unknown.
Comment: The POLR3A c.3499G>C (p.Val1167Leu) variant is a missense variant. A literature search was performed for the gene, cDNA change, and amino acid change. No publications were found based on this search. The variant is reported at a frequency of 0.000097 in the European (non-Finnish) population from the Genome Aggregation Database in a region of good sequence coverage, so the variant is presumed to be rare. Based on application of ACMG criteria, the p.Val1167Leu variant is classified as a variant of uncertain significance for POLR3A-related neurological disorders.